The following is an entry in ClinVar:

ClinVar aggregate classification (germline): Uncertain significance (1 of 4 stars; one submission).

Conditions:
Hereditary pheochromocytoma and paraganglioma. Also called: Hereditary pheochromocytoma-paraganglioma; Hereditary Paraganglioma-Pheochromocytoma Syndromes; Hereditary paragangliomas and pheochromocytomas. Identifiers: Orphanet 29072, MedGen C4274332, MONDO:0017366.

Submission:

All of Us Research Program, National Institutes of Health
Classification: Uncertain significance for Hereditary pheochromocytoma and paraganglioma. Last evaluated: 2023-11-02. Review status: criteria provided, single submitter. Criteria: ACMG Guidelines, 2015. Collection method: clinical testing. Allele origin: germline. Inheritance: Autosomal dominant inheritance. Observed: 1 variant allele, 1 heterozygote.
Comment: This variant causes a deletion of one nucleotide in intron 2 of the SDHAF2 gene. To our knowledge, functional studies have not been reported for this variant. This variant has not been reported in individuals affected with SDHAF2-related disorders in the literature. This variant has not been identified in the general population by the Genome Aggregation Database (gnomAD). The available evidence is insufficient to determine the role of this variant in disease conclusively. Therefore, this variant is classified as a Variant of Uncertain Significance.

This study involves interpretation of variants in research participants for the purpose of population health screening. Participant phenotype was not available at the time of variant classification. Additional details can be found in publication PMID: 35346344, PMCID: PMC8962531

NM_017841.4(SDHAF2):c.261-12del

Gene: SDHAF2 (succinate dehydrogenase complex assembly factor 2; plus strand). Cytogenetic location: 11q12.2.
Variant type: Deletion.
Coding change: c.261-12del on transcript NM_017841.4 (MANE Select); 12 bases into the intron before coding-DNA position 261, one base deleted (T; older notation c.261-12delT).
Molecular consequence: intron variant.
Genome position (GRCh38, 1-based): chr11:61,437,992, T deleted; the last of 3 consecutive T bases (chr11:61,437,990-61,437,992); deleting any one gives the same sequence. VCF-style (leftmost placement, unchanged base first): chr11-61437989-CT-C. GRCh37 (hg19) VCF-style: chr11-61205461-CT-C.
Identifiers: ClinVar variation 3074409 (VCV003074409.1), dbSNP rs2540124756, ClinGen allele CA2825002022.